The following is an entry in ClinVar:

ClinVar aggregate classification (germline): Pathogenic (1 of 4 stars; one submission).

Submission:

Labcorp Genetics (formerly Invitae), Labcorp
Classification: Pathogenic. Last evaluated: 2025-07-29. Review status: criteria provided, single submitter. Criteria: Invitae Variant Classification Sherloc (09022015). Collection method: clinical testing. Allele origin: germline.
Comment: This sequence change creates a premature translational stop signal (p.Val535Glyfs*30) in the CTNNA1 gene. It is expected to result in an absent or disrupted protein product. Loss-of-function variants in CTNNA1 are known to be pathogenic (PMID: 32051609, 34425242). This variant is not present in population databases (gnomAD no frequency). This variant has not been reported in the literature in individuals affected with CTNNA1-related conditions. For these reasons, this variant has been classified as Pathogenic.

Literature cited by the submitters: PubMed 32051609; PubMed 34425242.

NM_001903.5(CTNNA1):c.1603dup (p.Val535fs)

Gene: CTNNA1 (catenin alpha 1; plus strand). Cytogenetic location: 5q31.2.
Variant type: Duplication.
Coding change: c.1603dup on transcript NM_001903.5 (MANE Select); coding-DNA position 1603, one base duplicated (G; older notation c.1603dupG).
Protein change: p.Val535fs; shifts the reading frame from valine 535.
Molecular consequence: frameshift variant.
Genome position (GRCh38, 1-based): chr5:138,924,566, G duplicated. VCF-style (leftmost placement, unchanged base first): chr5-138924565-T-TG. GRCh37 (hg19) VCF-style: chr5-138260254-T-TG.
Other names: c.1603dup, p.Val535fs (NM_001290307.3, NM_001323982.2, NM_001323983.1 and 2 more transcripts); c.1294dup, p.Val432fs (NM_001290309.3); c.1234dup, p.Val412fs (NM_001290310.3); c.493dup, p.Val165fs (NM_001290312.1, NM_001323987.1, NM_001323988.1 and 17 more transcripts); c.1510dup, p.Val504fs (NM_001323986.2); c.154dup, p.Val52fs (NM_001324006.1, NM_001324007.1, NM_001324008.1 and 2 more transcripts); c.400dup, p.Val134fs (NM_001324011.1); c.250dup, p.Val84fs (NM_001324012.1, NM_001324013.1); short protein forms V412fs, V432fs, V504fs, V535fs, V134fs, V52fs, V84fs, V165fs.
Identifiers: ClinVar variation 4724207 (VCV004724207.1).